The following is an entry in ClinVar:

ClinVar aggregate classification (germline): Uncertain significance (1 of 4 stars; one submission).

Conditions:
Glycogen storage disease, type II (IOPD). Also called: GLYCOGENOSIS, GENERALIZED, CARDIAC FORM; GSD II; Pompe Disease; Glycogen storage disease type 2; Acid maltase deficiency disease; Aglucosidase alfa. Identifiers: Orphanet 365, MedGen C0017921, MONDO:0009290, OMIM 232300.

Submission:

Labcorp Genetics (formerly Invitae), Labcorp
Classification: Uncertain significance for Glycogen storage disease, type II. Last evaluated: 2021-12-24. Review status: criteria provided, single submitter. Criteria: Invitae Variant Classification Sherloc (09022015). Collection method: clinical testing. Allele origin: germline.
Comment: This sequence change replaces methionine, which is neutral and non-polar, with lysine, which is basic and polar, at codon 391 of the GAA protein (p.Met391Lys). This variant is not present in population databases (gnomAD no frequency). This variant has not been reported in the literature in individuals affected with GAA-related conditions. Advanced modeling of protein sequence and biophysical properties (such as structural, functional, and spatial information, amino acid conservation, physicochemical variation, residue mobility, and thermodynamic stability) performed at Invitae indicates that this missense variant is expected to disrupt GAA protein function. In summary, the available evidence is currently insufficient to determine the role of this variant in disease. Therefore, it has been classified as a Variant of Uncertain Significance.

NM_000152.5(GAA):c.1172T>A (p.Met391Lys)

Gene: GAA (alpha glucosidase; plus strand). Cytogenetic location: 17q25.3.
Variant type: single nucleotide variant.
Coding change: c.1172T>A on transcript NM_000152.5 (MANE Select); coding-DNA position 1172, T replaced by A.
Protein change: p.Met391Lys; replaces methionine 391 with lysine.
Molecular consequence: missense variant.
Genome position (GRCh38, 1-based): chr17:80,108,585, T>A. VCF-style: chr17-80108585-T-A. GRCh37 (hg19) VCF-style: chr17-78082384-T-A.
Other names: c.1172T>A, p.Met391Lys (NM_001079803.3, NM_001079804.3, NM_001406741.1 and 1 more transcripts); short protein forms M391K.
Identifiers: ClinVar variation 2057503 (VCV002057503.4), dbSNP rs745642331, ClinGen allele CA401365097.